The following is an entry in ClinVar:

ClinVar aggregate classification (germline): Conflicting classifications of pathogenicity. Review status: criteria provided, conflicting classifications (1 of 4 stars). 10 submissions from 10 submitters: Uncertain significance (9); Likely benign (1). Last evaluated 2026-03-09.

Conditions:
APC-related disorder. Also called: APC-related condition.
Classic or attenuated familial adenomatous polyposis. Identifiers: MedGen CN372698, MONDO:0021057.
Hereditary cancer-predisposing syndrome. Also called: Neoplastic Syndromes, Hereditary; Hereditary Cancer Syndrome; Tumor predisposition; Hereditary neoplastic syndrome. Identifiers: Orphanet 140162, MedGen C0027672, MeSH D009386, MONDO:0015356.
Familial adenomatous polyposis 1 (FAP1). Also called: FAMILIAL ADENOMATOUS POLYPOSIS 1, ATTENUATED; POLYPOSIS, ADENOMATOUS INTESTINAL. Identifiers: MedGen C2713442, MONDO:0021056, OMIM 175100. Disease mechanism: loss of function.

Allele frequency attached by ClinVar (database versions not stated): TOPMed 0.00001; gnomAD 0.00003 and 0.00004; ESP Exome Variant Server 0.00008.
gnomAD v4.1: 46 of 1,613,926 alleles (0.0029%); highest among the groups gnomAD compares: Admixed American, 0.01%; no homozygotes.

Submissions (10):

Women's Health and Genetics/Laboratory Corporation of America, LabCorp
Classification: Uncertain significance. Last evaluated: 2026-03-09. Review status: criteria provided, single submitter. Criteria: LabCorp Variant Classification Summary - May 2015. Collection method: clinical testing. Allele origin: germline.
Comment: Variant summary: APC c.4901C>T (p.Pro1634Leu) results in a non-conservative amino acid change in the encoded protein sequence. Algorithms developed to predict the effect of missense changes on protein structure and function are either unavailable or do not agree on the potential impact of this missense change. The variant allele was found at a frequency of 2.8e-05 in 251174 control chromosomes, predominantly at a frequency of 0.00014 within the Latino subpopulation in the gnomAD database. The available data on variant occurrences in the general population are insufficient to allow any conclusion about variant significance. To our knowledge, no occurrence of c.4901C>T in individuals affected with APC-related conditions and no experimental evidence demonstrating its impact on protein function have been reported. ClinVar contains an entry for this variant (Variation ID: 482266). Based on the evidence outlined above, the variant was classified as uncertain significance.

Labcorp Genetics (formerly Invitae), Labcorp
Classification: Uncertain significance for Familial adenomatous polyposis 1. Last evaluated: 2026-01-08. Review status: criteria provided, single submitter. Criteria: Invitae Variant Classification Sherloc (09022015). Collection method: clinical testing. Allele origin: germline.
Comment: This sequence change replaces proline, which is neutral and non-polar, with leucine, which is neutral and non-polar, at codon 1634 of the APC protein (p.Pro1634Leu). This variant is present in population databases (rs370433763, gnomAD 0.01%). This variant has not been reported in the literature in individuals affected with APC-related conditions. ClinVar contains an entry for this variant (Variation ID: 482266). Invitae Evidence Modeling of protein sequence and biophysical properties (such as structural, functional, and spatial information, amino acid conservation, physicochemical variation, residue mobility, and thermodynamic stability) indicates that this missense variant is not expected to disrupt APC protein function with a negative predictive value of 95%. In summary, the available evidence is currently insufficient to determine the role of this variant in disease. Therefore, it has been classified as a Variant of Uncertain Significance.

PreventionGenetics, part of Exact Sciences
Classification: Uncertain significance for APC-related condition. Last evaluated: 2025-08-06. Review status: criteria provided, single submitter. Criteria: ACMG Guidelines, 2015. Collection method: clinical testing. Allele origin: germline.
Comment: The APC c.4901C>T variant is predicted to result in the amino acid substitution p.Pro1634Leu. This variant has been reported in an unaffected control in a study of colorectal cancer risk genes (Supplemental Data, Rosenthal et al. 2018. PubMed ID: 30267214). This variant is reported in 0.014% of alleles in individuals of Latino descent in gnomAD, which may be too common to be a primary cause of disease. This variant has conflicting interpretations in the ClinVar database ranging from uncertain to likely benign (Variation ID: 482266). Although we suspect that this variant may be benign, at this time, the clinical significance of this variant is uncertain due to the absence of conclusive functional and genetic evidence.

GeneDx
Classification: Uncertain significance. Last evaluated: 2023-12-14. Review status: criteria provided, single submitter. Criteria: GeneDx Variant Classification Process June 2021. Collection method: clinical testing. Allele origin: germline. Affected: yes.
Comment: In silico analysis supports that this missense variant does not alter protein structure/function; Not observed in any colorectal cancer or polyposis cases, but was seen in unaffected controls (PMID: 30267214); This variant is associated with the following publications: (PMID: 21901162, 22608206, 18199528, 30267214)

All of Us Research Program, National Institutes of Health
Classification: Uncertain significance for Classic or attenuated familial adenomatous polyposis. Last evaluated: 2023-11-20. Review status: criteria provided, single submitter. Criteria: ACMG Guidelines, 2015. Collection method: clinical testing. Allele origin: germline. Inheritance: Autosomal dominant inheritance. Observed: 4 variant alleles, 4 heterozygotes.
Comment: This missense variant replaces proline with leucine at codon 1634 of the APC protein. Computational prediction suggests that this variant may not impact protein structure and function (internally defined REVEL score threshold <= 0.5, PMID: 27666373). To our knowledge, functional studies have not been reported for this variant. This variant has not been reported in individuals affected with APC-related disorders in the literature. This variant has been identified in 9/282554 chromosomes in the general population by the Genome Aggregation Database (gnomAD). The available evidence is insufficient to determine the role of this variant in disease conclusively. Therefore, this variant is classified as a Variant of Uncertain Significance.

This study involves interpretation of variants in research participants for the purpose of population health screening. Participant phenotype was not available at the time of variant classification. Additional details can be found in publication PMID: 35346344, PMCID: PMC8962531

Color Diagnostics, LLC DBA Color Health
Classification: Uncertain significance for Hereditary cancer-predisposing syndrome. Last evaluated: 2023-11-01. Review status: criteria provided, single submitter. Criteria: ACMG Guidelines, 2015. Collection method: clinical testing. Allele origin: germline.
Comment: This missense variant replaces proline with leucine at codon 1634 of the APC protein. Computational prediction suggests that this variant may not impact protein structure and function (internally defined REVEL score threshold <= 0.5, PMID: 27666373). To our knowledge, functional studies have not been reported for this variant. This variant has not been reported in individuals affected with APC-related disorders in the literature. This variant has been identified in 9/282554 chromosomes in the general population by the Genome Aggregation Database (gnomAD). The available evidence is insufficient to determine the role of this variant in disease conclusively. Therefore, this variant is classified as a Variant of Uncertain Significance.

Baylor Genetics
Classification: Uncertain significance for Familial adenomatous polyposis 1. Last evaluated: 2023-09-21. Review status: criteria provided, single submitter. Criteria: ACMG Guidelines, 2015. Collection method: clinical testing. Allele origin: unknown.

Department of Pathology and Laboratory Medicine, Sinai Health System
Classification: Uncertain significance for Familial adenomatous polyposis 1. Last evaluated: 2023-02-09. Review status: criteria provided, single submitter. Criteria: ACMG Guidelines, 2015. Collection method: research. Allele origin: germline.

Sema4
Classification: Uncertain significance for Hereditary cancer-predisposing syndrome. Last evaluated: 2022-01-31. Review status: criteria provided, single submitter. Criteria: Sema4 Curation Guidelines. Collection method: curation. Allele origin: germline.
Comment: To the best of our knowledge, the APC c.4901C>T (p.P1634L) variant has not been reported in individuals with APC-related disease. It was observed in 5/35428 chromosomes of the Latino subpopulation in the large and broad cohorts of the Genome Aggregation Database (PMID: 32461654). The variant has been reported in ClinVar (Variation ID 482266). Functional studies have not been performed, and in silico predictions of the variant's effect on protein function are inconclusive. The evidence is insufficient to meet ACMG/AMP criteria for classifying the variant as benign or pathogenic. Thus, the clinical significance of this variant is currently uncertain.

Ambry Genetics
Classification: Likely benign for Hereditary cancer-predisposing syndrome. Last evaluated: 2021-11-22. Review status: criteria provided, single submitter. Criteria: Ambry Variant Classification Scheme 2023. Collection method: clinical testing. Allele origin: germline.

Literature cited by the submitters: PubMed 30267214 (cited by Ambry Genetics).

NM_000038.6(APC):c.4901C>T (p.Pro1634Leu)

Gene: APC (APC regulator of Wnt signaling pathway; plus strand). Cytogenetic location: 5q22.2.
Variant type: single nucleotide variant.
Coding change: c.4901C>T on transcript NM_000038.6 (MANE Select); coding-DNA position 4901, C replaced by T.
Protein change: p.Pro1634Leu; replaces proline 1634 with leucine.
Molecular consequence: missense variant.
Genome position (GRCh38, 1-based): chr5:112,840,495, C>T. VCF-style: chr5-112840495-C-T. GRCh37 (hg19) VCF-style: chr5-112176192-C-T.
Other names: c.4901C>T, p.Pro1634Leu (NM_001127510.3, NM_001354895.2); c.4847C>T, p.Pro1616Leu (NM_001127511.3); c.4955C>T, p.Pro1652Leu (NM_001354896.2); c.4931C>T, p.Pro1644Leu (NM_001354897.2); c.4826C>T, p.Pro1609Leu (NM_001354898.2); c.4817C>T, p.Pro1606Leu (NM_001354899.2); c.4778C>T, p.Pro1593Leu (NM_001354900.2); c.4724C>T, p.Pro1575Leu (NM_001354901.2); and 5 more; short protein forms P1616L, P1634L, P1575L, P1606L, P1593L, P1533L, P1543L, P1644L.
Identifiers: ClinVar variation 482266 (VCV000482266.29), dbSNP rs370433763, ClinGen allele CA040139.
Genomic context (GRCh38, chr5:112,840,495, plus strand): 5'-TGTACAAACTTCTACCATCACAAAACAGGTTGCAACCCCAAAAGCATGTTAGTTTTACAC[C>T]GGGGGATGATATGCCACGGGTGTATTGTGTTGAAGGGACACCTATAAACTTTTCCACAGC-3'
Protein context (NP_000029.2, residues 1624-1644): LQPQKHVSFT[Pro1634Leu]GDDMPRVYCV